The following is an entry in ClinVar:

NM_005666.4(CFHR2):c.673A>C (p.Asn225His)

Gene: CFHR2 (complement factor H related 2; plus strand). Cytogenetic location: 1q31.3.
Variant type: single nucleotide variant.
Coding change: c.673A>C on transcript NM_005666.4 (MANE Select); coding-DNA position 673, A replaced by C.
Protein change: p.Asn225His; replaces asparagine 225 with histidine.
Molecular consequence: missense variant.
Genome position (GRCh38, 1-based): chr1:196,958,940, A>C. VCF-style: chr1-196958940-A-C. GRCh37 (hg19) VCF-style: chr1-196928070-A-C.
Other names: p.Asn225His; c.301A>C, p.Asn101His (NM_001312672.1); c.478A>C, p.Asn160His (NM_001410924.1); short protein forms N101H, N160H, N225H.
Identifiers: ClinVar variation 3895960 (VCV003895960.2).

ClinVar aggregate classification (germline): Conflicting classifications of pathogenicity. Review status: criteria provided, conflicting classifications (1 of 4 stars). 2 submissions from 2 submitters: Uncertain significance (1); Likely benign (1). Last evaluated 2025-12-12.

gnomAD v4.1: 3 of 1,605,050 alleles (0.00019%); highest among the groups gnomAD compares: Admixed American, 0.0033%; no homozygotes.

Submissions (2):

Mayo Clinic Laboratories, Mayo Clinic
Classification: Likely benign. Last evaluated: 2025-12-12. Review status: criteria provided, single submitter. Criteria: ACMG Guidelines, 2015. Collection method: clinical testing. Allele origin: germline. Observed: 1 variant allele.
Comment: BP1, BP4_moderate

Women's Health and Genetics/Laboratory Corporation of America, LabCorp
Classification: Uncertain significance. Last evaluated: 2025-03-25. Review status: criteria provided, single submitter. Criteria: LabCorp Variant Classification Summary - May 2015. Collection method: clinical testing. Allele origin: germline.
Comment: Variant summary: CFHR2 c.673A>C (p.Asn225His) results in a conservative amino acid change in the encoded protein sequence. Five of five in-silico tools predict a benign effect of the variant on protein function. The variant allele was found at a frequency of 8e-06 in 249424 control chromosomes (gnomAD). The available data on variant occurrences in the general population are insufficient to allow any conclusion about variant significance. To our knowledge, no occurrence of c.673A>C in individuals affected with Genetic Atypical Hemolytic Uremic Syndrome and no experimental evidence demonstrating its impact on protein function have been reported. No submitters have cited clinical-significance assessments for this variant to ClinVar. Based on the evidence outlined above, the variant was classified as uncertain significance.